The following is an entry in ClinVar:

NM_000179.3(MSH6):c.357C>G (p.Phe119Leu)

Gene: MSH6 (mutS homolog 6; plus strand). Cytogenetic location: 2p16.3.
Variant type: single nucleotide variant.
Coding change: c.357C>G on transcript NM_000179.3 (MANE Select); coding-DNA position 357, C replaced by G.
Protein change: p.Phe119Leu; replaces phenylalanine 119 with leucine.
Molecular consequence: missense variant. On other transcripts: 5 prime UTR variant (2), intron variant (1).
Genome position (GRCh38, 1-based): chr2:47,791,023, C>G. VCF-style: chr2-47791023-C-G. GRCh37 (hg19) VCF-style: chr2-48018162-C-G.
Other names: c.-380C>G (NM_001281493.2); c.-546C>G (NM_001281494.2); c.237+7553C>G (NM_001281492.2); short protein forms F119L.
Identifiers: ClinVar variation 823951 (VCV000823951.5), dbSNP rs1298565919, ClinGen allele CA346737003.
Genomic context (GRCh38, chr2:47,791,023, plus strand): 5'-GATGGAGGGTTACCCCTGGTGGCCTTGTCTGGTTTACAACCACCCCTTTGATGGAACATT[C>G]ATCCGCGAGAAAGGGAAATCAGTCCGTGTTCATGTACAGTTTTTTGATGACAGCCCAACA-3'
Protein context (NP_000170.1, residues 109-129): LVYNHPFDGT[Phe119Leu]IREKGKSVRV

ClinVar aggregate classification (germline): Conflicting classifications of pathogenicity. Review status: criteria provided, conflicting classifications (1 of 4 stars). 2 submissions from 2 submitters: Uncertain significance (1); Likely benign (1). Last evaluated 2025-09-09.

Conditions:
Hereditary cancer-predisposing syndrome. Also called: Neoplastic Syndromes, Hereditary; Tumor predisposition; Hereditary neoplastic syndrome; Hereditary Cancer Syndrome. Identifiers: Orphanet 140162, MedGen C0027672, MeSH D009386, MONDO:0015356.
Hereditary nonpolyposis colorectal neoplasms. Identifiers: MedGen C0009405, MeSH D003123.

Allele frequency attached by ClinVar (database versions not stated): gnomAD exomes below 0.00001.

Submissions (2):

Labcorp Genetics (formerly Invitae), Labcorp
Classification: Likely benign for Hereditary nonpolyposis colorectal neoplasms. Last evaluated: 2025-09-09. Review status: criteria provided, single submitter. Criteria: Invitae Variant Classification Sherloc (09022015). Collection method: clinical testing. Allele origin: germline.

Ambry Genetics
Classification: Uncertain significance for Hereditary cancer-predisposing syndrome. Last evaluated: 2020-09-25. Review status: criteria provided, single submitter. Criteria: Ambry Variant Classification Scheme 2023. Collection method: clinical testing. Allele origin: germline.
Comment: The p.F119L variant (also known as c.357C>G), located in coding exon 2 of the MSH6 gene, results from a C to G substitution at nucleotide position 357. The phenylalanine at codon 119 is replaced by leucine, an amino acid with highly similar properties. This amino acid position is poorly conserved in available vertebrate species. In addition, this alteration is predicted to be tolerated by in silico analysis. Since supporting evidence is limited at this time, the clinical significance of this alteration remains unclear.